The following is an entry in ClinVar:

ClinVar aggregate classification (germline): Uncertain significance. Review status: criteria provided, multiple submitters, no conflicts (2 of 4 stars). 2 submissions from 2 submitters: Uncertain significance (2). Last evaluated 2023-11-30.

Conditions:
Hereditary breast ovarian cancer syndrome. Also called: Hereditary breast and ovarian cancer syndrome (HBOC); Hereditary breast and ovarian cancer; BRCA1- and BRCA2-Associated Hereditary Breast and Ovarian Cancer; Breast and ovarian cancer; Hereditary breast and ovarian cancer syndrome; Hereditary breast and/or ovarian cancer syndrome. Identifiers: Orphanet 145, MedGen C0677776, MeSH D061325, MONDO:0003582. Disease mechanism: loss of function.
Breast-ovarian cancer, familial, susceptibility to, 1 (BROVCA1). Also called: OVARIAN CANCER, SUSCEPTIBILITY TO; BRCA1 Hereditary Breast and Ovarian Cancer. Identifiers: Orphanet 145, MedGen C2676676, MONDO:0011450, OMIM 604370. Disease mechanism: loss of function.

Submissions (3):

All of Us Research Program, National Institutes of Health
Classification: Uncertain significance for Breast-ovarian cancer, familial, susceptibility to, 1. Last evaluated: 2023-11-30. Review status: criteria provided, single submitter. Criteria: ACMG Guidelines, 2015. Collection method: clinical testing. Allele origin: germline. Inheritance: Autosomal dominant inheritance. Observed: 1 variant allele, 1 heterozygote.
Comment: This study involves interpretation of variants in research participants for the purpose of population health screening. Participant phenotype was not available at the time of variant classification. Additional details can be found in publication PMID: 35346344, PMCID: PMC8962531

Labcorp Genetics (formerly Invitae), Labcorp
Classification: Uncertain significance for Hereditary breast ovarian cancer syndrome. Last evaluated: 2018-12-27. Review status: criteria provided, single submitter. Criteria: Invitae Variant Classification Sherloc (09022015). Collection method: clinical testing. Allele origin: germline.
Comment: This sequence change replaces valine with alanine at codon 1688 of the BRCA1 protein (p.Val1688Ala). The valine residue is weakly conserved and there is a small physicochemical difference between valine and alanine. This variant is not present in population databases (ExAC no frequency). This variant has not been reported in the literature in individuals with BRCA1-related conditions. Algorithms developed to predict the effect of missense changes on protein structure and function (SIFT, PolyPhen-2, Align-GVGD) all suggest that this variant is likely to be disruptive, but these predictions have not been confirmed by published functional studies and their clinical significance is uncertain. This variant disrupts the p.Val1688del amino acid residue in BRCA1. Other variant(s) that disrupt this residue have been observed in individuals with BRCA1-related conditions (PMID: 18165637, 19706752, 18821011, 8968102, 18703817, 23697973, 25814778, 26306726, 23867111, 11157798, 17924331, 21990134), suggesting that it is a clinically significant residue. As a result, variants that disrupt this residue are likely to be causative of disease. In summary, the available evidence is currently insufficient to determine the role of this variant in disease. Therefore, it has been classified as a Variant of Uncertain Significance.

Brotman Baty Institute, University of Washington
No classification provided (evidence only). Condition: Breast-ovarian cancer, familial 1. Review status: no classification provided. Collection method: in vitro. Allele origin: not applicable. Functional consequence: functionally_normal. Not counted in ClinVar's aggregate classification.
ClinVar note: "not provided" was previously submitted as the classification for the variant. However, the classification appeared to be based only on an observation of functional data so it was converted to no classification on 2025-07-30.

Literature cited by the submitters: PubMed 18165637 (cited by Labcorp Genetics (formerly Invitae), Labcorp); PubMed 19706752 (cited by Labcorp Genetics (formerly Invitae), Labcorp); PubMed 18821011 (cited by Labcorp Genetics (formerly Invitae), Labcorp); PubMed 8968102 (cited by Labcorp Genetics (formerly Invitae), Labcorp); PubMed 18703817 (cited by Labcorp Genetics (formerly Invitae), Labcorp); PubMed 23697973 (cited by Labcorp Genetics (formerly Invitae), Labcorp); PubMed 25814778 (cited by Labcorp Genetics (formerly Invitae), Labcorp); PubMed 26306726 (cited by Labcorp Genetics (formerly Invitae), Labcorp); PubMed 23867111 (cited by Labcorp Genetics (formerly Invitae), Labcorp); PubMed 11157798 (cited by Labcorp Genetics (formerly Invitae), Labcorp); PubMed 17924331 (cited by Labcorp Genetics (formerly Invitae), Labcorp); PubMed 21990134 (cited by Labcorp Genetics (formerly Invitae), Labcorp).

NM_007294.4(BRCA1):c.5063T>C (p.Val1688Ala)

Gene: BRCA1 (BRCA1 DNA repair associated; minus strand). Cytogenetic location: 17q21.31.
Variant type: single nucleotide variant.
Coding change: c.5063T>C on transcript NM_007294.4 (MANE Select); coding-DNA position 5063, T replaced by C.
Protein change: p.Val1688Ala; replaces valine 1688 with alanine.
Molecular consequence: missense variant. On other transcripts: non-coding transcript variant (1).
Genome position (GRCh38, 1-based): chr17:43,067,619, A>G on the plus strand (T>C on the coding strand, the complement: BRCA1 is on the minus strand). VCF-style: chr17-43067619-A-G. GRCh37 (hg19) VCF-style: chr17-41219636-A-G.
Other names: c.4850T>C, p.Val1617Ala (NM_001407571.1, NM_001407907.1, NM_001407908.1 and 12 more transcripts); c.5129T>C, p.Val1710Ala (NM_001407581.1, NM_001407582.1); c.5126T>C, p.Val1709Ala (NM_001407583.1, NM_001407585.1, NM_001407587.1 and 1 more transcripts); c.5123T>C, p.Val1708Ala (NM_001407590.1, NM_001407591.1); c.5063T>C, p.Val1688Ala (NM_001407593.1, NM_001407594.1, NM_001407596.1 and 8 more transcripts); c.5060T>C, p.Val1687Ala (NM_001407614.1, NM_001407615.1, NM_001407616.1 and 17 more transcripts); c.5057T>C, p.Val1686Ala (NM_001407633.1, NM_001407634.1, NM_001407635.1 and 14 more transcripts); c.4985T>C, p.Val1662Ala (NM_001407655.1, NM_001407653.1, NM_001407654.1); and 70 more; short protein forms V1641A, V1709A, V1688A, V584A, V1619A, V1660A, V1683A, V1685A.
Identifiers: ClinVar variation 655629 (VCV000655629.13), dbSNP rs1597825664, ClinGen allele CA10591393.